The following is an entry in ClinVar:

ClinVar aggregate classification (germline): Uncertain significance (1 of 4 stars; one submission).

Conditions:
Inborn genetic diseases. Identifiers: MedGen C0950123, MeSH D030342.

Allele frequency attached by ClinVar (database versions not stated): TOPMed below 0.00001; gnomAD 0.00001.
gnomAD v4.1: 1 of 1,613,828 alleles (0.000062%); highest among the groups gnomAD compares: Non-Finnish European, 0.000085%; no homozygotes.

Submission:

Ambry Genetics
Classification: Uncertain significance for Inborn genetic diseases. Last evaluated: 2022-05-12. Review status: criteria provided, single submitter. Criteria: Ambry Variant Classification Scheme 2023. Collection method: clinical testing. Allele origin: germline.
Comment: The p.H995Y variant (also known as c.2983C>T), located in coding exon 10 of the WNK1 gene, results from a C to T substitution at nucleotide position 2983. The histidine at codon 995 is replaced by tyrosine, an amino acid with similar properties. This amino acid position is well conserved in available vertebrate species. In addition, this alteration is predicted to be tolerated by in silico analysis. Since supporting evidence is limited at this time, the clinical significance of this alteration remains unclear.

NM_213655.5(WNK1):c.2983C>T (p.His995Tyr)

Gene: WNK1 (WNK lysine deficient protein kinase 1; plus strand). Cytogenetic location: 12p13.33.
Variant type: single nucleotide variant.
Coding change: c.2983C>T on transcript NM_213655.5 (MANE Plus Clinical); coding-DNA position 2983, C replaced by T.
Protein change: p.His995Tyr; replaces histidine 995 with tyrosine.
Molecular consequence: missense variant. On other transcripts: intron variant (2).
Genome position (GRCh38, 1-based): chr12:868,454, C>T. VCF-style: chr12-868454-C-T. GRCh37 (hg19) VCF-style: chr12-977620-C-T.
Other names: c.2728C>T, p.His910Tyr (NM_001184985.2); c.2140-2811C>T (NM_018979.4, NM_014823.3); short protein forms H910Y, H995Y.
Identifiers: ClinVar variation 1798420 (VCV001798420.2), dbSNP rs1951866790, ClinGen allele CA383340030.
Genomic context (GRCh38, chr12:868,454, plus strand): 5'-GGGGGCCCTACTTCAAGTTCTGTCTTTGAATTTCCATCTGGACAGGCTTTCCTGGTAGGA[C>T]ACCTTCAGAATCTAAGATTAGATTCTGGATTGGGTCCGGGATCTCCCCTCTCTAGTATTT-3'
Protein context (NP_998820.3, residues 985-1005): FPSGQAFLVG[His995Tyr]LQNLRLDSGL